The following is an entry in ClinVar:

NM_004517.4(ILK):c.279C>A (p.Ile93=)

Genes: TAF10 (TATA-box binding protein associated factor 10; minus strand), ILK (integrin linked kinase; plus strand). Cytogenetic location: 11p15.4.
Variant type: single nucleotide variant.
Coding change: c.279C>A on transcript NM_004517.4 (MANE Select); coding-DNA position 279, C replaced by A.
Protein change: p.Ile93=; no amino-acid change (isoleucine 93 retained).
Molecular consequence: synonymous variant. On other transcripts: 5 prime UTR variant (1), 3 prime UTR variant (1).
Genome position (GRCh38, 1-based): chr11:6,608,417, C>A. VCF-style: chr11-6608417-C-A. GRCh37 (hg19) VCF-style: chr11-6629647-C-A.
Other names: c.279C>A, p.Ile93= (NM_001014794.3, NM_001014795.3, NM_001278441.2); c.-124C>A (NM_001278442.2); c.*2505G>T (NM_006284.4).
Identifiers: ClinVar variation 382017 (VCV000382017.12), dbSNP rs565996441, ClinGen allele CA5858010.

ClinVar aggregate classification (germline): Likely benign. Review status: criteria provided, multiple submitters, no conflicts (2 of 4 stars). 3 submissions from 3 submitters: Likely benign (3). Last evaluated 2026-01-19.

Conditions:
Primary familial hypertrophic cardiomyopathy (HCM). Identifiers: Orphanet 99739, MedGen C0949658, MeSH D024741, MONDO:0024573. Inheritance: Various modes of inheritance.

Allele frequency attached by ClinVar (database versions not stated): 1000 Genomes Project 30x 0.00031; 1000 Genomes Project 0.00040; ExAC 0.00004; gnomAD exomes 0.00007; gnomAD 0.00009; TOPMed 0.00015.
gnomAD v4.1: 49 of 1,614,154 alleles (0.003%); highest among the groups gnomAD compares: Admixed American, 0.052%; no homozygotes.

Submissions (3):

Labcorp Genetics (formerly Invitae), Labcorp
Classification: Likely benign for Primary familial hypertrophic cardiomyopathy. Last evaluated: 2026-01-19. Review status: criteria provided, single submitter. Criteria: Invitae Variant Classification Sherloc (09022015). Collection method: clinical testing. Allele origin: germline.

Ambry Genetics
Classification: Likely benign. Last evaluated: 2019-10-20. Review status: criteria provided, single submitter. Criteria: Ambry Variant Classification Scheme 2023. Collection method: clinical testing. Allele origin: germline.

GeneDx
Classification: Likely benign. Last evaluated: 2015-12-07. Review status: criteria provided, single submitter. Criteria: GeneDx Variant Classification (06012015). Collection method: clinical testing. Allele origin: germline. Affected: yes.
Comment: This variant is considered likely benign or benign based on one or more of the following criteria: it is a conservative change, it occurs at a poorly conserved position in the protein, it is predicted to be benign by multiple in silico algorithms, and/or has population frequency not consistent with disease.